The following is an entry in ClinVar:

NM_000195.5(HPS1):c.937+55G>A

Gene: HPS1 (HPS1 biogenesis of lysosomal organelles complex 3 subunit 1; minus strand). Cytogenetic location: 10q24.2.
Variant type: single nucleotide variant.
Coding change: c.937+55G>A on transcript NM_000195.5 (MANE Select); 55 bases into the intron after coding-DNA position 937, G replaced by A.
Molecular consequence: intron variant. On other transcripts: missense variant (2), 3 prime UTR variant (2).
Genome position (GRCh38, 1-based): chr10:98,429,518, C>T on the plus strand (G>A on the coding strand, the complement: HPS1 is on the minus strand). VCF-style: chr10-98429518-C-T. GRCh37 (hg19) VCF-style: chr10-100189275-C-T.
Other names: c.874G>A, p.Ala292Thr (NM_001322490.2); c.*17G>A (NM_001322491.2, NM_182639.4); c.775G>A, p.Ala259Thr (NM_001322492.2); c.568+55G>A (NM_001322483.2, NM_001322484.2); c.676+55G>A (NM_001322480.2, NM_001322481.2); c.838+55G>A (NM_001322478.2, NM_001322479.2); c.937+55G>A (NM_001322476.2, NM_001322477.2); c.469+55G>A (NM_001322485.2); and 2 more; short protein forms A259T, A292T.
Identifiers: ClinVar variation 3039122 (VCV003039122.3), dbSNP rs191172528, ClinGen allele CA5639197.

ClinVar aggregate classification (germline): Likely benign. Review status: criteria provided, single submitter (1 of 4 stars). 2 submissions from 2 submitters: Likely benign (1). 1 of the submissions does not count toward it. Last evaluated 2024-11-13.

Conditions:
HPS1-related disorder. Also called: HPS1-related condition.

Allele frequency attached by ClinVar (database versions not stated): gnomAD exomes 0.00024; ESP Exome Variant Server 0.00054; gnomAD 0.00070; TOPMed 0.00074; ExAC 0.00083; 1000 Genomes Project 30x 0.00156; 1000 Genomes Project 0.00180.
gnomAD v4.1: 607 of 1,613,526 alleles (0.038%); highest among the groups gnomAD compares: East Asian, 0.79%; 6 homozygotes.

Submissions (2):

Blueprint Genetics
Classification: Likely benign. Last evaluated: 2024-11-13. Review status: criteria provided, single submitter. Criteria: ACMG Guidelines, 2015. Collection method: clinical testing. Allele origin: germline.

PreventionGenetics, part of Exact Sciences
Classification: Likely benign for HPS1-related condition. Last evaluated: 2022-03-04. Review status: no assertion criteria provided. Collection method: clinical testing. Allele origin: germline. Not counted in ClinVar's aggregate classification.
Comment: This variant is classified as likely benign based on ACMG/AMP sequence variant interpretation guidelines (Richards et al. 2015 PMID: 25741868, with internal and published modifications).